The following is an entry in ClinVar:

ClinVar aggregate classification (germline): Uncertain significance (1 of 4 stars; one submission).

Submission:

Labcorp Genetics (formerly Invitae), Labcorp
Classification: Uncertain significance. Last evaluated: 2022-06-02. Review status: criteria provided, single submitter. Criteria: Invitae Variant Classification Sherloc (09022015). Collection method: clinical testing. Allele origin: germline.
Comment: In summary, the available evidence is currently insufficient to determine the role of this variant in disease. Therefore, it has been classified as a Variant of Uncertain Significance. This variant has not been reported in the literature in individuals affected with SNRPB-related conditions. This variant results in a copy number gain of the genomic region encompassing exon(s) 5-7 of the SNRPB gene. This region includes the termination codon of the gene. This copy number gain extends beyond the assayed region for this gene and therefore may encompass additional genes. As the precise location of this event is unknown, it may be in tandem or it may be located elsewhere in the genome.

NC_000020.10:g.(?_2375078)_(2443893_?)dup

Genes: SNRPB (small nuclear ribonucleoprotein polypeptides B and B1; minus strand), TGM6 (transglutaminase 6; plus strand). Cytogenetic location: 20p13.
Variant type: Duplication.
Identifiers: ClinVar variation 2427639 (VCV002427639.4).